The following is an entry in ClinVar:

NM_004766.3(COPB2):c.148G>A (p.Val50Met)

Gene: COPB2 (coat protein complex I subunit beta 2; minus strand). Cytogenetic location: 3q23.
Variant type: single nucleotide variant.
Coding change: c.148G>A on transcript NM_004766.3 (MANE Select); coding-DNA position 148, G replaced by A.
Protein change: p.Val50Met; replaces valine 50 with methionine.
Molecular consequence: missense variant. On other transcripts: non-coding transcript variant (1).
Genome position (GRCh38, 1-based): chr3:139,379,460, C>T on the plus strand (G>A on the coding strand, the complement: COPB2 is on the minus strand). VCF-style: chr3-139379460-C-T. GRCh37 (hg19) VCF-style: chr3-139098302-C-T.
Other names: c.61G>A, p.Val21Met (NM_001410834.1); short protein forms V21M, V50M.
Identifiers: ClinVar variation 5000802 (VCV005000802.1).

ClinVar aggregate classification (germline): Uncertain significance (1 of 4 stars; one submission).

Conditions:
COPB2-related disorder. Also called: COPB2-related condition.

gnomAD v4.1: 1 of 1,613,362 alleles (0.000062%); highest among the groups gnomAD compares: Non-Finnish European, 0.000085%; no homozygotes.

Submission:

PreventionGenetics, part of Exact Sciences
Classification: Uncertain significance for COPB2-related condition. Last evaluated: 2025-06-05. Review status: criteria provided, single submitter. Criteria: ACMG Guidelines, 2015. Collection method: clinical testing. Allele origin: germline.
Comment: The COPB2 c.148G>A variant is predicted to result in the amino acid substitution p.Val50Met. To our knowledge, this variant has not been reported in the literature or in a large population database (gnomAD), indicating this variant is rare. At this time, the clinical significance of this variant is uncertain due to the absence of conclusive functional and genetic evidence.